The following is an entry in ClinVar:

NM_003500.4(ACOX2):c.161-4G>A

Gene: ACOX2 (acyl-CoA oxidase 2; minus strand). Cytogenetic location: 3p14.3.
Variant type: single nucleotide variant.
Coding change: c.161-4G>A on transcript NM_003500.4 (MANE Select); 4 bases into the intron before coding-DNA position 161, G replaced by A.
Molecular consequence: intron variant.
Genome position (GRCh38, 1-based): chr3:58,534,526, C>T on the plus strand (G>A on the coding strand, the complement: ACOX2 is on the minus strand). VCF-style: chr3-58534526-C-T. GRCh37 (hg19) VCF-style: chr3-58520253-C-T.
Identifiers: ClinVar variation 4984898 (VCV004984898.1).
Genomic context (GRCh38, chr3:58,534,526, plus strand): 5'-GGGTCATGAAATAATTGTCCTTACAGCTAAACTCCGGGTAACTGTGGATGATGCTCTCTG[C>T]AGAGGACAGAGAACAGAGGGCTTAGGGACCTGGGTGAGGTTTCTGGCACCTTGAAATCTT-3'

ClinVar aggregate classification (germline): Likely benign (1 of 4 stars; one submission).

Conditions:
ACOX2-related disorder. Also called: ACOX2-related condition.

gnomAD v4.1: 7 of 1,614,054 alleles (0.00043%); highest among the groups gnomAD compares: African/African-American, 0.008%; no homozygotes.

Submission:

PreventionGenetics, part of Exact Sciences
Classification: Likely benign for ACOX2-related condition. Last evaluated: 2026-04-17. Review status: criteria provided, single submitter. Criteria: ACMG Guidelines, 2015. Collection method: clinical testing. Allele origin: germline.
Comment: This variant is classified as likely benign based on ACMG/AMP sequence variant interpretation guidelines (Richards et al. 2015 PMID: 25741868, with internal and published modifications).